The following is an entry in ClinVar:

ClinVar aggregate classification (germline): Benign (1 of 4 stars; one submission).

Allele frequency attached by ClinVar (database versions not stated): TOPMed 0.01444; gnomAD 0.02227 and 0.02315; gnomAD exomes 0.02650; 1000 Genomes Project 30x 0.00640; 1000 Genomes Project 0.00659.
gnomAD v4.1: 19,772 of 777,506 alleles (2.5%); highest among the groups gnomAD compares: Non-Finnish European, 2.7%; 464 homozygotes.

Submission:

GeneDx
Classification: Benign. Last evaluated: 2018-06-19. Review status: criteria provided, single submitter. Criteria: GeneDx Variant Classification (06012015). Collection method: clinical testing. Allele origin: germline. Affected: yes.
Comment: This variant is considered likely benign or benign based on one or more of the following criteria: it is a conservative change, it occurs at a poorly conserved position in the protein, it is predicted to be benign by multiple in silico algorithms, and/or has population frequency not consistent with disease.

NM_001291303.3(FAT4):c.12214-72G>A

Gene: FAT4 (FAT atypical cadherin 4; plus strand). Cytogenetic location: 4q28.1.
Variant type: single nucleotide variant.
Coding change: c.12214-72G>A on transcript NM_001291303.3 (MANE Select); 72 bases into the intron before coding-DNA position 12214, G replaced by A.
Molecular consequence: intron variant.
Genome position (GRCh38, 1-based): chr4:125,476,099, G>A. VCF-style: chr4-125476099-G-A. GRCh37 (hg19) VCF-style: chr4-126397254-G-A.
Other names: c.12214-72G>A (NM_001291285.3); c.12208-72G>A (NM_024582.6).
Identifiers: ClinVar variation 677476 (VCV000677476.1), dbSNP rs35472819, ClinGen allele CA104864421.
Genomic context (GRCh38, chr4:125,476,099, plus strand): 5'-ACATTAAATCAAGATGTTATCATAGTTTCTAAGTCATGTTCACATAGAAGCAAGTCATGG[G>A]TAGTGTTGGCTGGAAAGGCTAATAGGGACGGTAGAACTCAAAGTTGAATGTTTCTTTCTC-3'